The following is an entry in ClinVar:

ClinVar aggregate classification (germline): Uncertain significance (1 of 4 stars; one submission).

Conditions:
LAMA2-related muscular dystrophy (LAMA2-RD). Also called: Laminin alpha 2-related dystrophy. Identifiers: MedGen C5679788, MONDO:0100228.

Allele frequency attached by ClinVar (database versions not stated): TOPMed below 0.00001.
gnomAD v4.1: 5 of 1,614,158 alleles (0.00031%); highest among the groups gnomAD compares: Admixed American, 0.005%; no homozygotes.

Submission:

Labcorp Genetics (formerly Invitae), Labcorp
Classification: Uncertain significance for LAMA2-related muscular dystrophy. Last evaluated: 2024-11-15. Review status: criteria provided, single submitter. Criteria: Invitae Variant Classification Sherloc (09022015). Collection method: clinical testing. Allele origin: germline.
Comment: This sequence change replaces proline, which is neutral and non-polar, with serine, which is neutral and polar, at codon 2724 of the LAMA2 protein (p.Pro2724Ser). This variant is present in population databases (no rsID available, gnomAD 0.006%). This variant has not been reported in the literature in individuals affected with LAMA2-related conditions. ClinVar contains an entry for this variant (Variation ID: 1485901). Invitae Evidence Modeling of protein sequence and biophysical properties (such as structural, functional, and spatial information, amino acid conservation, physicochemical variation, residue mobility, and thermodynamic stability) indicates that this missense variant is not expected to disrupt LAMA2 protein function with a negative predictive value of 95%. In summary, the available evidence is currently insufficient to determine the role of this variant in disease. Therefore, it has been classified as a Variant of Uncertain Significance.

NM_000426.4(LAMA2):c.8170C>T (p.Pro2724Ser)

Gene: LAMA2 (laminin subunit alpha 2; plus strand). Cytogenetic location: 6q22.33.
Variant type: single nucleotide variant.
Coding change: c.8170C>T on transcript NM_000426.4 (MANE Select); coding-DNA position 8170, C replaced by T.
Protein change: p.Pro2724Ser; replaces proline 2724 with serine.
Molecular consequence: missense variant.
Genome position (GRCh38, 1-based): chr6:129,492,409, C>T. VCF-style: chr6-129492409-C-T. GRCh37 (hg19) VCF-style: chr6-129813554-C-T.
Other names: c.8158C>T, p.Pro2720Ser (NM_001079823.2); short protein forms P2720S, P2724S.
Identifiers: ClinVar variation 1485901 (VCV001485901.7), dbSNP rs759439358, ClinGen allele CA365631490.